The following is an entry in ClinVar:

NM_020937.4(FANCM):c.876G>A (p.Pro292=)

Gene: FANCM (FA complementation group M; plus strand). Cytogenetic location: 14q21.2.
Variant type: single nucleotide variant.
Coding change: c.876G>A on transcript NM_020937.4 (MANE Select); coding-DNA position 876, G replaced by A.
Protein change: p.Pro292=; no amino-acid change (proline 292 retained).
Molecular consequence: synonymous variant.
Genome position (GRCh38, 1-based): chr14:45,148,953, G>A. VCF-style: chr14-45148953-G-A. GRCh37 (hg19) VCF-style: chr14-45618156-G-A.
Other names: c.798G>A, p.Pro266= (NM_001308133.2); c.876G>A, p.Pro292= (NM_001308134.2); c.876G>A (NM_020937.2).
Identifiers: ClinVar variation 1150354 (VCV001150354.21), dbSNP rs150757891, ClinGen allele CA7168871.

ClinVar aggregate classification (germline): Likely benign. Review status: criteria provided, multiple submitters, no conflicts (2 of 4 stars). 4 submissions from 4 submitters: Likely benign (4). Last evaluated 2025-05-01.

Conditions:
Fanconi anemia (FA). Also called: Fanconi's anemia. Identifiers: Orphanet 84, MedGen C0015625, MeSH D005199, MONDO:0019391.
Spermatogenic failure 28. Identifiers: MedGen C4748117, MONDO:0054732, OMIM 618086.
Premature ovarian failure 15. Identifiers: MedGen C4748170, MONDO:0054862, OMIM 618096.
Inborn genetic diseases. Identifiers: MedGen C0950123, MeSH D030342.

Allele frequency attached by ClinVar (database versions not stated): ESP Exome Variant Server 0.00008.

Submissions (4):

CeGaT Center for Human Genetics Tuebingen
Classification: Likely benign. Last evaluated: 2025-05-01. Review status: criteria provided, single submitter. Criteria: CeGaT Center For Human Genetics Tuebingen Variant Classification Criteria Version 2. Collection method: clinical testing. Allele origin: germline. Affected: yes. Observed: 1 variant allele.
Comment: FANCM: BP4, BP7

Labcorp Genetics (formerly Invitae), Labcorp
Classification: Likely benign for Fanconi anemia. Last evaluated: 2025-03-15. Review status: criteria provided, single submitter. Criteria: Invitae Variant Classification Sherloc (09022015). Collection method: clinical testing. Allele origin: germline.

Ambry Genetics
Classification: Likely benign for Inborn genetic diseases. Last evaluated: 2024-12-06. Review status: criteria provided, single submitter. Criteria: Ambry Variant Classification Scheme 2023. Collection method: clinical testing. Allele origin: germline.

Fulgent Genetics
Classification: Likely benign for Spermatogenic failure 28; Premature ovarian failure 15. Last evaluated: 2021-12-16. Review status: criteria provided, single submitter. Criteria: ACMG Guidelines, 2015. Collection method: clinical testing. Allele origin: unknown.